The following is an entry in ClinVar:

ClinVar aggregate classification (germline): Uncertain significance (1 of 4 stars; one submission).

gnomAD v4.1: 1 of 1,612,354 alleles (0.000062%); highest among the groups gnomAD compares: Non-Finnish European, 0.000085%; no homozygotes.

Submission:

Labcorp Genetics (formerly Invitae), Labcorp
Classification: Uncertain significance. Last evaluated: 2022-07-19. Review status: criteria provided, single submitter. Criteria: Invitae Variant Classification Sherloc (09022015). Collection method: clinical testing. Allele origin: germline.
Comment: This sequence change replaces arginine, which is basic and polar, with proline, which is neutral and non-polar, at codon 1030 of the RIMS1 protein (p.Arg1030Pro). This variant is present in population databases (no rsID available, gnomAD 0.0009%). This variant has not been reported in the literature in individuals affected with RIMS1-related conditions. ClinVar contains an entry for this variant (Variation ID: 1415067). Algorithms developed to predict the effect of missense changes on protein structure and function are either unavailable or do not agree on the potential impact of this missense change (SIFT: "Tolerated"; PolyPhen-2: "Probably Damaging"; Align-GVGD: "Class C0"). In summary, the available evidence is currently insufficient to determine the role of this variant in disease. Therefore, it has been classified as a Variant of Uncertain Significance.

NM_014989.7(RIMS1):c.3089G>C (p.Arg1030Pro)

Gene: RIMS1 (regulating synaptic membrane exocytosis 1; plus strand). Cytogenetic location: 6q13.
Variant type: single nucleotide variant.
Coding change: c.3089G>C on transcript NM_014989.7 (MANE Select); coding-DNA position 3089, G replaced by C.
Protein change: p.Arg1030Pro; replaces arginine 1030 with proline.
Molecular consequence: missense variant. On other transcripts: intron variant (14).
Genome position (GRCh38, 1-based): chr6:72,260,740, G>C. VCF-style: chr6-72260740-G-C. GRCh37 (hg19) VCF-style: chr6-72970443-G-C.
Other names: c.1508G>C, p.Arg503Pro (NM_001168407.2, NM_001350415.2, NM_001350418.2 and 13 more transcripts); c.1511G>C, p.Arg504Pro (NM_001168408.2, NM_001350414.2, NM_001350416.2 and 10 more transcripts); c.1268G>C, p.Arg423Pro (NM_001168409.2, NM_001350464.2, NM_001350465.2 and 2 more transcripts); c.1466G>C, p.Arg489Pro (NM_001168410.2, NM_001350470.2, NM_001350473.2); c.1439G>C, p.Arg480Pro (NM_001350421.2, NM_001350430.2, NM_001350437.2 and 2 more transcripts); c.1442G>C, p.Arg481Pro (NM_001350424.2, NM_001350428.2, NM_001350459.2 and 1 more transcripts); c.1265G>C, p.Arg422Pro (NM_001350461.2, NM_001350463.2); c.1463G>C, p.Arg488Pro (NM_001350472.2); and 5 more; short protein forms R503P, R422P, R489P, R480P, R1030P, R423P, R481P, R488P.
Identifiers: ClinVar variation 1415067 (VCV001415067.6), dbSNP rs367992303, ClinGen allele CA364683823.
Genomic context (GRCh38, chr6:72,260,740, plus strand): 5'-CTCACCACCCATCCTGTCTGTGCAGTGAGCTTCTTATGCTGCCCAGAGCAAAACGAGGAC[G>C]AAGTGCAGAATGCCTACATACTACCAGGTAAATACAGGGATTTGGTAATGGTGACTGTGT-3'
Protein context (NP_055804.2, residues 1020-1040): LLMLPRAKRG[Arg1030Pro]SAECLHTTRH